The following is an entry in ClinVar:

NM_001710.6(CFB):c.1507C>T (p.Arg503Cys)

Gene: CFB (complement factor B; plus strand). Cytogenetic location: 6p21.33.
Variant type: single nucleotide variant.
Coding change: c.1507C>T on transcript NM_001710.6 (MANE Select); coding-DNA position 1507, C replaced by T.
Protein change: p.Arg503Cys; replaces arginine 503 with cysteine.
Molecular consequence: missense variant.
Genome position (GRCh38, 1-based): chr6:31,950,286, C>T. VCF-style: chr6-31950286-C-T. GRCh37 (hg19) VCF-style: chr6-31918063-C-T.
Other names: short protein forms R503C.
Identifiers: ClinVar variation 1360184 (VCV001360184.8), dbSNP rs774737044, ClinGen allele CA3728358.
Genomic context (GRCh38, chr6:31,950,286, plus strand): 5'-GCCATAAGAGATGGTGGTTTGTGAAAGTTGAGCTTTCCCTCTCTACTGTTGTGTCCCCAG[C>T]GCCCTTCAAAGGGACACGAGAGCTGTATGGGGGCTGTGGTGTCTGAGTACTTTGTGCTGA-3'
Protein context (NP_001701.2, residues 493-513): QPWQAKISVI[Arg503Cys]PSKGHESCMG

ClinVar aggregate classification (germline): Uncertain significance (1 of 4 stars; one submission).

Allele frequency attached by ClinVar (database versions not stated): gnomAD exomes 0.00001 and 0.00002; ExAC 0.00002; gnomAD 0.00002; TOPMed 0.00002.
gnomAD v4.1: 12 of 1,612,024 alleles (0.00074%); highest among the groups gnomAD compares: Admixed American, 0.0067%; no homozygotes.

Submission:

Labcorp Genetics (formerly Invitae), Labcorp
Classification: Uncertain significance. Last evaluated: 2025-05-27. Review status: criteria provided, single submitter. Criteria: Invitae Variant Classification Sherloc (09022015). Collection method: clinical testing. Allele origin: germline.
Comment: This sequence change replaces arginine, which is basic and polar, with cysteine, which is neutral and slightly polar, at codon 503 of the CFB protein (p.Arg503Cys). This variant is present in population databases (rs774737044, gnomAD 0.01%). This variant has not been reported in the literature in individuals affected with CFB-related conditions. ClinVar contains an entry for this variant (Variation ID: 1360184). An algorithm developed to predict the effect of missense changes on protein structure and function (PolyPhen-2) suggests that this variant is likely to be disruptive. In summary, the available evidence is currently insufficient to determine the role of this variant in disease. Therefore, it has been classified as a Variant of Uncertain Significance.